The following is an entry in ClinVar:

ClinVar aggregate classification (germline): Likely pathogenic (1 of 4 stars; one submission).

Conditions:
Pitt-Hopkins syndrome (PTHS). Also called: ENCEPHALOPATHY, SEVERE EPILEPTIC, WITH AUTONOMIC DYSFUNCTION; MENTAL RETARDATION, SYNDROMAL, WITH INTERMITTENT HYPERVENTILATION. Identifiers: Orphanet 2896, MedGen C1970431, MONDO:0012589, OMIM 610954.

Submission:

Labcorp Genetics (formerly Invitae), Labcorp
Classification: Likely pathogenic for Pitt-Hopkins syndrome. Last evaluated: 2019-10-07. Review status: criteria provided, single submitter. Criteria: Invitae Variant Classification Sherloc (09022015). Collection method: clinical testing. Allele origin: germline.
Comment: This sequence change replaces serine with phenylalanine at codon 333 of the TCF4 protein (p.Ser333Phe). The serine residue is moderately conserved and there is a large physicochemical difference between serine and phenylalanine. This variant is not present in population databases (ExAC no frequency). This variant has been observed in individual(s) with clinical features of Pitt-Hopkins syndrome (Invitae). In at least one individual the variant was observed to be de novo. Algorithms developed to predict the effect of missense changes on protein structure and function are either unavailable or do not agree on the potential impact of this missense change (SIFT: "Tolerated"; PolyPhen-2: "Probably Damaging"; Align-GVGD: "Class C0"). In summary, the currently available evidence indicates that the variant is pathogenic, but additional data are needed to prove that conclusively. Therefore, this variant has been classified as Likely Pathogenic.

NM_001083962.2(TCF4):c.998C>T (p.Ser333Phe)

Gene: TCF4 (transcription factor 4; minus strand). Cytogenetic location: 18q21.2.
Variant type: single nucleotide variant.
Coding change: c.998C>T on transcript NM_001083962.2 (MANE Select); coding-DNA position 998, C replaced by T.
Protein change: p.Ser333Phe; replaces serine 333 with phenylalanine.
Molecular consequence: missense variant.
Genome position (GRCh38, 1-based): chr18:55,260,020, G>A on the plus strand (C>T on the coding strand, the complement: TCF4 is on the minus strand). VCF-style: chr18-55260020-G-A. GRCh37 (hg19) VCF-style: chr18-52927251-G-A.
Other names: c.608C>T, p.Ser203Phe (NM_001348213.2, NM_001243233.2, NM_001330605.3 and 1 more transcripts); c.518C>T, p.Ser173Phe (NM_001348214.2, NM_001348216.2, NM_001243234.2 and 2 more transcripts); c.350C>T, p.Ser117Phe (NM_001348215.2); c.926C>T, p.Ser309Phe (NM_001348217.1, NM_001348218.2, NM_001348219.2 and 9 more transcripts); c.923C>T, p.Ser308Phe (NM_001348220.1, NM_001369578.1, NM_001369581.1 and 3 more transcripts); c.998C>T, p.Ser333Phe (NM_001369567.1, NM_001369568.1, NM_003199.3 and 4 more transcripts); c.1304C>T, p.Ser435Phe (NM_001243226.3); c.1016C>T, p.Ser339Phe (NM_001243228.2); and 4 more; short protein forms S308F, S331F, S332F, S333F, S339F, S117F, S203F, S435F.
Identifiers: ClinVar variation 964240 (VCV000964240.1), dbSNP rs2057699910, ClinGen allele CA402534878.